The following is an entry in ClinVar:

NM_004260.4(RECQL4):c.500C>T (p.Pro167Leu)

Gene: RECQL4 (RecQ like helicase 4; minus strand). Cytogenetic location: 8q24.3.
Variant type: single nucleotide variant.
Coding change: c.500C>T on transcript NM_004260.4 (MANE Select); coding-DNA position 500, C replaced by T.
Protein change: p.Pro167Leu; replaces proline 167 with leucine.
Molecular consequence: missense variant.
Genome position (GRCh38, 1-based): chr8:144,516,619, G>A on the plus strand (C>T on the coding strand, the complement: RECQL4 is on the minus strand). VCF-style: chr8-144516619-G-A. GRCh37 (hg19) VCF-style: chr8-145742003-G-A.
Other names: c.500C>T, p.Pro167Leu (NM_001413017.1, NM_001413018.1, NM_001413019.1 and 4 more transcripts); c.-572C>T (NM_001413022.1, NM_001413023.1, NM_001413024.1 and 5 more transcripts); c.371C>T, p.Pro124Leu (NM_001413025.1); c.-634C>T (NM_001413027.1, NM_001413030.1, NM_001413031.1 and 2 more transcripts); c.-476C>T (NM_001413034.1); c.-841C>T (NM_001413043.1); c.500C>T (NM_004260.3); short protein forms P124L, P167L.
Identifiers: ClinVar variation 1714072 (VCV001714072.6), dbSNP rs2538098607, ClinGen allele CA372691235.

ClinVar aggregate classification (germline): Conflicting classifications of pathogenicity. Review status: criteria provided, conflicting classifications (1 of 4 stars). 2 submissions from 2 submitters: Uncertain significance (1); Likely benign (1). Last evaluated 2026-07-24.

Conditions:
Inborn genetic diseases. Identifiers: MedGen C0950123, MeSH D030342.
Baller-Gerold syndrome (BGS). Also called: CRANIOSYNOSTOSIS WITH RADIAL DEFECTS. Identifiers: Orphanet 1225, MedGen C0265308, MONDO:0009039, OMIM 218600.

gnomAD v4.1: 1 of 1,610,882 alleles (0.000062%); highest among the groups gnomAD compares: Non-Finnish European, 0.000085%; no homozygotes.

Submissions (2):

Ambry Genetics
Classification: Likely benign for Inborn genetic diseases. Last evaluated: 2026-07-24. Review status: criteria provided, single submitter. Criteria: Ambry Variant Classification Scheme 2023. Collection method: clinical testing. Allele origin: germline.

Labcorp Genetics (formerly Invitae), Labcorp
Classification: Uncertain significance for Baller-Gerold syndrome. Last evaluated: 2022-07-29. Review status: criteria provided, single submitter. Criteria: Invitae Variant Classification Sherloc (09022015). Collection method: clinical testing. Allele origin: germline.
Comment: This sequence change replaces proline, which is neutral and non-polar, with leucine, which is neutral and non-polar, at codon 167 of the RECQL4 protein (p.Pro167Leu). This variant is not present in population databases (gnomAD no frequency). This variant has not been reported in the literature in individuals affected with RECQL4-related conditions. Experimental studies and prediction algorithms are not available or were not evaluated, and the functional significance of this variant is currently unknown. In summary, the available evidence is currently insufficient to determine the role of this variant in disease. Therefore, it has been classified as a Variant of Uncertain Significance.